The following is an entry in ClinVar:

NM_181486.4(TBX5):c.1129G>A (p.Ala377Thr)

Gene: TBX5 (T-box transcription factor 5; minus strand). Cytogenetic location: 12q24.21.
Variant type: single nucleotide variant.
Coding change: c.1129G>A on transcript NM_181486.4 (MANE Select); coding-DNA position 1129, G replaced by A.
Protein change: p.Ala377Thr; replaces alanine 377 with threonine.
Molecular consequence: missense variant.
Genome position (GRCh38, 1-based): chr12:114,355,960, C>T on the plus strand (G>A on the coding strand, the complement: TBX5 is on the minus strand). VCF-style: chr12-114355960-C-T. GRCh37 (hg19) VCF-style: chr12-114793765-C-T.
Other names: c.1129G>A, p.Ala377Thr (NM_000192.3); c.979G>A, p.Ala327Thr (NM_080717.4); short protein forms A327T, A377T.
Identifiers: ClinVar variation 1727720 (VCV001727720.3), dbSNP rs1450393334, ClinGen allele CA386925727.

ClinVar aggregate classification (germline): Uncertain significance. Review status: criteria provided, multiple submitters, no conflicts (2 of 4 stars). 2 submissions from 2 submitters: Uncertain significance (2). Last evaluated 2019-12-26.

Conditions:
Cardiovascular phenotype. Identifiers: MedGen CN230736.

Allele frequency attached by ClinVar (database versions not stated): gnomAD 0.00001; TOPMed 0.00001.
gnomAD v4.1: 2 of 1,613,914 alleles (0.00012%); highest among the groups gnomAD compares: African/African-American, 0.0027%; no homozygotes.

Submissions (2):

Ambry Genetics
Classification: Uncertain significance for Cardiovascular phenotype. Last evaluated: 2019-12-26. Review status: criteria provided, single submitter. Criteria: Ambry Variant Classification Scheme 2023. Collection method: clinical testing. Allele origin: germline.
Comment: The p.A377T variant (also known as c.1129G>A), located in coding exon 8 of the TBX5 gene, results from a G to A substitution at nucleotide position 1129. The alanine at codon 377 is replaced by threonine, an amino acid with similar properties. This amino acid position is highly conserved in available vertebrate species. In addition, the in silico prediction for this alteration is inconclusive. Since supporting evidence is limited at this time, the clinical significance of this alteration remains unclear.

Blueprint Genetics
Classification: Uncertain significance. Last evaluated: 2018-03-09. Review status: criteria provided, single submitter. Criteria: ACMG Guidelines, 2015. Collection method: clinical testing. Allele origin: germline.